The following is an entry in ClinVar:

NM_001457.4(FLNB):c.439G>T (p.Gly147Trp)

Gene: FLNB (filamin B; plus strand). Cytogenetic location: 3p14.3.
Variant type: single nucleotide variant.
Coding change: c.439G>T on transcript NM_001457.4 (MANE Select); coding-DNA position 439, G replaced by T.
Protein change: p.Gly147Trp; replaces glycine 147 with tryptophan.
Molecular consequence: missense variant.
Genome position (GRCh38, 1-based): chr3:58,077,192, G>T. VCF-style: chr3-58077192-G-T. GRCh37 (hg19) VCF-style: chr3-58062919-G-T.
Other names: c.439G>T, p.Gly147Trp (NM_001164317.2, NM_001164318.2, NM_001164319.2); short protein forms G147W.
Identifiers: ClinVar variation 3687480 (VCV003687480.2).

ClinVar aggregate classification (germline): Uncertain significance (1 of 4 stars; one submission).

gnomAD v4.1: 1 of 1,614,016 alleles (0.000062%); highest among the groups gnomAD compares: African/African-American, 0.0013%; no homozygotes.

Submission:

Labcorp Genetics (formerly Invitae), Labcorp
Classification: Uncertain significance. Last evaluated: 2025-04-29. Review status: criteria provided, single submitter. Criteria: Invitae Variant Classification Sherloc (09022015). Collection method: clinical testing. Allele origin: germline.
Comment: This sequence change replaces glycine, which is neutral and non-polar, with tryptophan, which is neutral and slightly polar, at codon 147 of the FLNB protein (p.Gly147Trp). This variant is present in population databases (rs370470693, gnomAD 0.01%). This variant has not been reported in the literature in individuals affected with FLNB-related conditions. ClinVar contains an entry for this variant (Variation ID: 3687480). Invitae Evidence Modeling of protein sequence and biophysical properties (such as structural, functional, and spatial information, amino acid conservation, physicochemical variation, residue mobility, and thermodynamic stability) indicates that this missense variant is not expected to disrupt FLNB protein function with a negative predictive value of 95%. In summary, the available evidence is currently insufficient to determine the role of this variant in disease. Therefore, it has been classified as a Variant of Uncertain Significance.